The following is an entry in ClinVar:

NM_004958.4(MTOR):c.2768G>A (p.Ser923Asn)

Gene: MTOR (mechanistic target of rapamycin kinase; minus strand). Cytogenetic location: 1p36.22.
Variant type: single nucleotide variant.
Coding change: c.2768G>A on transcript NM_004958.4 (MANE Select); coding-DNA position 2768, G replaced by A.
Protein change: p.Ser923Asn; replaces serine 923 with asparagine.
Molecular consequence: missense variant.
Genome position (GRCh38, 1-based): chr1:11,230,936, C>T on the plus strand (G>A on the coding strand, the complement: MTOR is on the minus strand). VCF-style: chr1-11230936-C-T. GRCh37 (hg19) VCF-style: chr1-11290993-C-T.
Other names: c.2768G>A, p.Ser923Asn (NM_001386500.1); c.1520G>A, p.Ser507Asn (NM_001386501.1); short protein forms S507N, S923N.
Identifiers: ClinVar variation 2903025 (VCV002903025.3), dbSNP rs1447741043, ClinGen allele CA338380661.
Genomic context (GRCh38, chr1:11,230,936, plus strand): 5'-CTCTGTGAGTGAGAACTTGGCAAGTCTTTCATGGCTACCCCCAACTTACAGGAATCCTGA[C>T]TTGACTTGGATTCTGACAGGCTGACAGCAGAGGCATCCCGGGACTGGTCTATCATGCCAA-3'
Protein context (NP_004949.1, residues 913-933): SAVSLSESKS[Ser923Asn]QDSSDYSTSE

ClinVar aggregate classification (germline): Uncertain significance (1 of 4 stars; one submission).

Allele frequency attached by ClinVar (database versions not stated): gnomAD 0.00001; gnomAD exomes 0.00001; TOPMed 0.00001.
gnomAD v4.1: 8 of 1,613,848 alleles (0.0005%); highest among the groups gnomAD compares: Non-Finnish European, 0.00068%; no homozygotes.

Submission:

Labcorp Genetics (formerly Invitae), Labcorp
Classification: Uncertain significance. Last evaluated: 2024-05-31. Review status: criteria provided, single submitter. Criteria: Invitae Variant Classification Sherloc (09022015). Collection method: clinical testing. Allele origin: germline.
Comment: This sequence change replaces serine, which is neutral and polar, with asparagine, which is neutral and polar, at codon 923 of the MTOR protein (p.Ser923Asn). This variant is not present in population databases (gnomAD no frequency). This variant has not been reported in the literature in individuals affected with MTOR-related conditions. Advanced modeling of protein sequence and biophysical properties (such as structural, functional, and spatial information, amino acid conservation, physicochemical variation, residue mobility, and thermodynamic stability) performed at Invitae indicates that this missense variant is not expected to disrupt MTOR protein function with a negative predictive value of 95%. In summary, the available evidence is currently insufficient to determine the role of this variant in disease. Therefore, it has been classified as a Variant of Uncertain Significance.